The following is an entry in ClinVar:

ClinVar aggregate classification (germline): Uncertain significance (1 of 4 stars; one submission).

Conditions:
Microcephaly, normal intelligence and immunodeficiency (NBS). Also called: Immunodeficiency, microcephaly with normal intelligence; Ataxia telangiectasia variant V1; BERLIN BREAKAGE SYNDROME; IMMUNODEFICIENCY, MICROCEPHALY, AND CHROMOSOMAL INSTABILITY; SEEMANOVA SYNDROME II; Microcephaly with normal intelligence immunodeficiency and lymphoreticular malignancies. Identifiers: Orphanet 647, MedGen C0398791, MONDO:0009623, OMIM 251260.

Submission:

Labcorp Genetics (formerly Invitae), Labcorp
Classification: Uncertain significance for Microcephaly, normal intelligence and immunodeficiency. Last evaluated: 2022-06-22. Review status: criteria provided, single submitter. Criteria: Invitae Variant Classification Sherloc (09022015). Collection method: clinical testing. Allele origin: germline.
Comment: This sequence change replaces leucine, which is neutral and non-polar, with arginine, which is basic and polar, at codon 743 of the NBN protein (p.Leu743Arg). In summary, the available evidence is currently insufficient to determine the role of this variant in disease. Therefore, it has been classified as a Variant of Uncertain Significance. Algorithms developed to predict the effect of missense changes on protein structure and function are either unavailable or do not agree on the potential impact of this missense change (SIFT: "Deleterious"; PolyPhen-2: "Probably Damaging"; Align-GVGD: "Class C0"). This variant has not been reported in the literature in individuals affected with NBN-related conditions. This variant is not present in population databases (gnomAD no frequency).

NM_002485.5(NBN):c.2228T>G (p.Leu743Arg)

Gene: NBN (nibrin; minus strand). Cytogenetic location: 8q21.3.
Variant type: single nucleotide variant.
Coding change: c.2228T>G on transcript NM_002485.5 (MANE Select); coding-DNA position 2228, T replaced by G.
Protein change: p.Leu743Arg; replaces leucine 743 with arginine.
Molecular consequence: missense variant.
Genome position (GRCh38, 1-based): chr8:89,937,032, A>C on the plus strand (T>G on the coding strand, the complement: NBN is on the minus strand). VCF-style: chr8-89937032-A-C. GRCh37 (hg19) VCF-style: chr8-90949260-A-C.
Other names: c.1982T>G, p.Leu661Arg (NM_001024688.3); short protein forms L661R, L743R.
Identifiers: ClinVar variation 2009185 (VCV002009185.4), dbSNP rs2488169242, ClinGen allele CA371674748.